The following is an entry in ClinVar:

NM_001005498.4(RHBDF2):c.203G>A (p.Arg68Gln)

Gene: RHBDF2 (rhomboid 5 homolog 2; minus strand). Cytogenetic location: 17q25.1.
Variant type: single nucleotide variant.
Coding change: c.203G>A on transcript NM_001005498.4 (MANE Select); coding-DNA position 203, G replaced by A.
Protein change: p.Arg68Gln; replaces arginine 68 with glutamine.
Molecular consequence: missense variant. On other transcripts: non-coding transcript variant (3).
Genome position (GRCh38, 1-based): chr17:76,479,802, C>T on the plus strand (G>A on the coding strand, the complement: RHBDF2 is on the minus strand). VCF-style: chr17-76479802-C-T. GRCh37 (hg19) VCF-style: chr17-74475884-C-T.
Other names: c.203G>A, p.Arg68Gln (NM_001376228.1, NM_001376229.1, NM_001376230.1); c.290G>A, p.Arg97Gln (NM_024599.5); short protein forms R97Q, R68Q.
Identifiers: ClinVar variation 892252 (VCV000892252.7), dbSNP rs200821841, ClinGen allele CA8787445.

ClinVar aggregate classification (germline): Conflicting classifications of pathogenicity. Review status: criteria provided, conflicting classifications (1 of 4 stars). 3 submissions from 3 submitters: Uncertain significance (1); Benign (1); Likely benign (1). Last evaluated 2024-11-12.

Conditions:
Palmoplantar keratoderma-esophageal carcinoma syndrome (TOC). Also called: Tylosis with Esophageal Cancer; KERATOSIS PALMARIS ET PLANTARIS WITH ESOPHAGEAL CANCER; PALMOPLANTAR KERATODERMA WITH ESOPHAGEAL CANCER. Identifiers: Orphanet 2198, MedGen C1835664, MONDO:0007856, OMIM 148500.
Inborn genetic diseases. Identifiers: MedGen C0950123, MeSH D030342.

Allele frequency attached by ClinVar (database versions not stated): ESP Exome Variant Server 0.00008; gnomAD 0.00011 and 0.00013; gnomAD exomes 0.00015; TOPMed 0.00015; ExAC 0.00016; 1000 Genomes Project 0.00080; 1000 Genomes Project 30x 0.00109.
gnomAD v4.1: 210 of 1,613,246 alleles (0.013%); highest among the groups gnomAD compares: East Asian, 0.067%; no homozygotes.

Submissions (3):

Labcorp Genetics (formerly Invitae), Labcorp
Classification: Likely benign. Last evaluated: 2024-11-12. Review status: criteria provided, single submitter. Criteria: Invitae Variant Classification Sherloc (09022015). Collection method: clinical testing. Allele origin: germline.

Ambry Genetics
Classification: Uncertain significance for Inborn genetic diseases. Last evaluated: 2024-01-16. Review status: criteria provided, single submitter. Criteria: Ambry Variant Classification Scheme 2023. Collection method: clinical testing. Allele origin: germline.

Illumina Laboratory Services, Illumina
Classification: Benign for Palmoplantar keratoderma-esophageal carcinoma syndrome. Last evaluated: 2018-01-13. Review status: criteria provided, single submitter. Criteria: ICSL Variant Classification Criteria 13 December 2019. Collection method: clinical testing. Allele origin: germline.
Comment: This variant was observed in the ICSL laboratory as part of a predisposition screen in an ostensibly healthy population. It had not been previously curated by ICSL or reported in the Human Gene Mutation Database (HGMD: prior to June 1st, 2018), and was therefore a candidate for classification through an automated scoring system. Utilizing variant allele frequency, disease prevalence and penetrance estimates, and inheritance mode, an automated score was calculated to assess if this variant is too frequent to cause the disease. Based on the score and internal cut-off values, a variant classified as benign is not then subjected to further curation. The score for this variant resulted in a classification of benign for this disease.